The following is an entry in ClinVar:

ClinVar aggregate classification (germline): Uncertain significance (1 of 4 stars; one submission).

gnomAD v4.1: 56 of 1,597,526 alleles (0.0035%); highest among the groups gnomAD compares: Middle Eastern, 0.033%; no homozygotes.

Submission:

GeneDx
Classification: Uncertain significance. Last evaluated: 2026-01-15. Review status: criteria provided, single submitter. Criteria: GeneDx Variant Classification Process June 2021. Collection method: clinical testing. Allele origin: germline.
Comment: Has not been previously published as pathogenic or benign to our knowledge; In silico analysis is inconclusive as to whether the variant alters gene splicing. In the absence of RNA/functional studies, the actual effect of this sequence change is unknown.

NM_178554.6(KY):c.474C>T (p.Tyr158=)

Genes: CEP63 (centrosomal protein 63; plus strand), KY (kyphoscoliosis peptidase; minus strand). Cytogenetic location: 3q22.2.
Variant type: single nucleotide variant.
Coding change: c.474C>T on transcript NM_178554.6 (MANE Select); coding-DNA position 474, C replaced by T.
Protein change: p.Tyr158=; no amino-acid change (tyrosine 158 retained).
Molecular consequence: synonymous variant.
Genome position (GRCh38, 1-based): chr3:134,625,062, G>A on the plus strand (C>T on the coding strand, the complement: KY is on the minus strand). VCF-style: chr3-134625062-G-A. GRCh37 (hg19) VCF-style: chr3-134343904-G-A.
Other names: c.426C>T, p.Tyr142= (NM_001350859.2); c.348C>T, p.Tyr116= (NM_001350860.2); c.411C>T, p.Tyr137= (NM_001366276.1); c.474C>T, p.Tyr158= (NM_001366277.2).
Identifiers: ClinVar variation 4088171 (VCV004088171.2).